The following is an entry in ClinVar:

ClinVar aggregate classification (germline): Likely benign (0 of 4 stars; one submission).

Conditions:
SLCO1B1-related disorder. Also called: SLCO1B1-related condition.

Allele frequency attached by ClinVar (database versions not stated): ESP Exome Variant Server 0.00016; gnomAD 0.00034; TOPMed 0.00042.
gnomAD v4.1: 281 of 1,494,410 alleles (0.019%); highest among the groups gnomAD compares: Middle Eastern, 0.3%; 1 homozygote.

Submission:

PreventionGenetics, part of Exact Sciences
Classification: Likely benign for SLCO1B1-related condition. Last evaluated: 2019-07-01. Review status: no assertion criteria provided. Collection method: clinical testing. Allele origin: germline.
Comment: This variant is classified as likely benign based on ACMG/AMP sequence variant interpretation guidelines (Richards et al. 2015 PMID: 25741868, with internal and published modifications).

NM_006446.5(SLCO1B1):c.1866-10A>G

Gene: SLCO1B1 (solute carrier organic anion transporter family member 1B1; plus strand). Cytogenetic location: 12p12.1.
Variant type: single nucleotide variant.
Coding change: c.1866-10A>G on transcript NM_006446.5 (MANE Select); 10 bases into the intron before coding-DNA position 1866, A replaced by G.
Molecular consequence: intron variant.
Genome position (GRCh38, 1-based): chr12:21,238,969, A>G. VCF-style: chr12-21238969-A-G. GRCh37 (hg19) VCF-style: chr12-21391903-A-G.
Identifiers: ClinVar variation 3042702 (VCV003042702.2), dbSNP rs371302553, ClinGen allele CA6477212.
Genomic context (GRCh38, chr12:21,238,969, plus strand): 5'-GGAGAAAATGTTTTAAGTTATTACACACAATTTAAACTGATTTATTGTTTTATTTTCTCT[A>G]TTTCTACAGAAGGGTCTACTTGGGCTTGTCTTCAATGTTAAGAGTCTCATCACTTGTTTT-3'